The following is an entry in ClinVar:

ClinVar aggregate classification (germline): Uncertain significance (1 of 4 stars; one submission).

Conditions:
PLXNA1-related disorder. Also called: PLXNA1-related condition.

Submission:

PreventionGenetics, part of Exact Sciences
Classification: Uncertain significance for PLXNA1-related condition. Last evaluated: 2026-03-26. Review status: criteria provided, single submitter. Criteria: ACMG Guidelines, 2015. Collection method: clinical testing. Allele origin: germline.
Comment: The PLXNA1 c.1744-1G>A variant is predicted to disrupt the AG splice acceptor site and interfere with normal splicing. To our knowledge, this variant has not been reported in the literature or in a large population database (gnomAD), indicating this variant is rare. Although we suspect that this variant may be pathogenic, at this time, the clinical significance of this variant is uncertain due to the absence of conclusive functional and genetic evidence.

NM_032242.4(PLXNA1):c.1744-1G>A

Gene: PLXNA1 (plexin A1; plus strand). Cytogenetic location: 3q21.3.
Variant type: single nucleotide variant.
Coding change: c.1744-1G>A on transcript NM_032242.4 (MANE Select); the canonical splice acceptor site of the intron before coding-DNA position 1744, G replaced by A.
Molecular consequence: splice acceptor variant.
Genome position (GRCh38, 1-based): chr3:127,005,089, G>A. VCF-style: chr3-127005089-G-A. GRCh37 (hg19) VCF-style: chr3-126723932-G-A.
Identifiers: ClinVar variation 4997691 (VCV004997691.1).
Genomic context (GRCh38, chr3:127,005,089, plus strand): 5'-GGTAAGGGGTGGGGGACAGCCATGGGGACCCTGCTCACCATGCCTCCTGCTGCCTGCCCA[G>A]CTTGTGCTGCAGGCCTGGAACGTGCCTGACCTCTCAGCTGGCGTCAACTGCTCCTTCGAG-3'